The following is an entry in ClinVar:

NM_020937.4(FANCM):c.2741A>C (p.Glu914Ala)

Gene: FANCM (FA complementation group M; plus strand). Cytogenetic location: 14q21.2.
Variant type: single nucleotide variant.
Coding change: c.2741A>C on transcript NM_020937.4 (MANE Select); coding-DNA position 2741, A replaced by C.
Protein change: p.Glu914Ala; replaces glutamic acid 914 with alanine.
Molecular consequence: missense variant.
Genome position (GRCh38, 1-based): chr14:45,175,495, A>C. VCF-style: chr14-45175495-A-C. GRCh37 (hg19) VCF-style: chr14-45644698-A-C.
Other names: c.2663A>C, p.Glu888Ala (NM_001308133.2); short protein forms E888A, E914A.
Identifiers: ClinVar variation 834346 (VCV000834346.10), dbSNP rs774814027, ClinGen allele CA389599007.

ClinVar aggregate classification (germline): Uncertain significance. Review status: criteria provided, multiple submitters, no conflicts (2 of 4 stars). 2 submissions from 2 submitters: Uncertain significance (2). Last evaluated 2025-01-04.

Conditions:
Inborn genetic diseases. Identifiers: MedGen C0950123, MeSH D030342.
Fanconi anemia (FA). Also called: Fanconi's anemia. Identifiers: Orphanet 84, MedGen C0015625, MeSH D005199, MONDO:0019391.

Submissions (2):

Ambry Genetics
Classification: Uncertain significance for Inborn genetic diseases. Last evaluated: 2025-01-04. Review status: criteria provided, single submitter. Criteria: Ambry Variant Classification Scheme 2023. Collection method: clinical testing. Allele origin: germline.
Comment: The p.E914A variant (also known as c.2741A>C), located in coding exon 14 of the FANCM gene, results from an A to C substitution at nucleotide position 2741. The glutamic acid at codon 914 is replaced by alanine, an amino acid with dissimilar properties. This amino acid position is conserved. In addition, this alteration is predicted to be tolerated by in silico analysis. Based on the available evidence, the clinical significance of this variant remains unclear.

Labcorp Genetics (formerly Invitae), Labcorp
Classification: Uncertain significance for Fanconi anemia. Last evaluated: 2023-05-01. Review status: criteria provided, single submitter. Criteria: Invitae Variant Classification Sherloc (09022015). Collection method: clinical testing. Allele origin: germline.
Comment: In summary, the available evidence is currently insufficient to determine the role of this variant in disease. Therefore, it has been classified as a Variant of Uncertain Significance. An algorithm developed to predict the effect of missense changes on protein structure and function (PolyPhen-2) suggests that this variant is likely to be tolerated. ClinVar contains an entry for this variant (Variation ID: 834346). This variant has not been reported in the literature in individuals affected with FANCM-related conditions. This variant is not present in population databases (gnomAD no frequency). This sequence change replaces glutamic acid, which is acidic and polar, with alanine, which is neutral and non-polar, at codon 914 of the FANCM protein (p.Glu914Ala).